The following is an entry in ClinVar:

NM_001130965.3(SUN1):c.5A>C (p.Asp2Ala)

Genes: SUN1 (Sad1 and UNC84 domain containing 1; plus strand), LOC126859921 (P300/CBP strongly-dependent group 1 enhancer GRCh37_chr7:871666-872865; plus strand). Cytogenetic location: 7p22.3.
Variant type: single nucleotide variant.
Coding change: c.5A>C on transcript NM_001130965.3 (MANE Select); coding-DNA position 5, A replaced by C.
Protein change: p.Asp2Ala; replaces aspartic acid 2 with alanine.
Molecular consequence: missense variant. On other transcripts: 5 prime UTR variant (1), non-coding transcript variant (3), intron variant (30).
Genome position (GRCh38, 1-based): chr7:832,529, A>C. VCF-style: chr7-832529-A-C. GRCh37 (hg19) VCF-style: chr7-872166-A-C.
Other names: c.5A>C, p.Asp2Ala (NM_001171944.2, NM_001171946.2, NM_001367633.1 and 35 more transcripts); c.68A>C, p.Asp23Ala (NM_001171945.2); c.-453A>C (NM_001367635.1); c.297-6269A>C (NM_001367651.1); c.-73-6269A>C (NM_001367666.1, NM_001367655.1, NM_001367691.1 and 24 more transcripts); c.-684-6269A>C (NM_001367658.1); c.-301-9417A>C (NM_001367639.1); short protein forms D23A, D2A.
Identifiers: ClinVar variation 1018759 (VCV001018759.9), dbSNP rs199693265, ClinGen allele CA152389188.

ClinVar aggregate classification (germline): Uncertain significance (1 of 4 stars; one submission).

Conditions:
Emery-Dreifuss muscular dystrophy (EDMD). Also called: Scapuloperoneal syndrome, X-linked (formerly); Humeroperoneal neuromuscular disease, (formerly). Identifiers: Orphanet 261, MedGen C0410189, MONDO:0016830.

Allele frequency attached by ClinVar (database versions not stated): gnomAD exomes below 0.00001; TOPMed 0.00001; gnomAD 0.00002.
gnomAD v4.1: 15 of 1,612,884 alleles (0.00093%); highest among the groups gnomAD compares: African/African-American, 0.0013%; no homozygotes.

Submission:

Labcorp Genetics (formerly Invitae), Labcorp
Classification: Uncertain significance for Emery-Dreifuss muscular dystrophy. Last evaluated: 2023-08-27. Review status: criteria provided, single submitter. Criteria: Invitae Variant Classification Sherloc (09022015). Collection method: clinical testing. Allele origin: germline.
Comment: An algorithm developed to predict the effect of missense changes on protein structure and function (PolyPhen-2) suggests that this variant is likely to be disruptive. This sequence change replaces aspartic acid, which is acidic and polar, with alanine, which is neutral and non-polar, at codon 2 of the SUN1 protein (p.Asp2Ala). This variant is present in population databases (rs199693265, gnomAD 0.0009%). This variant has not been reported in the literature in individuals affected with SUN1-related conditions. ClinVar contains an entry for this variant (Variation ID: 1018759). In summary, the available evidence is currently insufficient to determine the role of this variant in disease. Therefore, it has been classified as a Variant of Uncertain Significance.